The following is an entry in ClinVar:

ClinVar aggregate classification (germline): Pathogenic (1 of 4 stars; one submission).

Submissions (2):

CeGaT Center for Human Genetics Tuebingen
Classification: Pathogenic. Last evaluated: 2022-07-01. Review status: criteria provided, single submitter. Criteria: CeGaT Center For Human Genetics Tuebingen Variant Classification Criteria Version 2. Collection method: clinical testing. Allele origin: germline. Affected: yes. Observed: 1 variant allele.
Comment: TRPS1: PVS1, PM2

Dr. Peter K. Rogan Lab, Western University
No classification provided (evidence only). Condition: Sarcoma. Review status: no classification provided. Collection method: in vitro. Allele origin: not applicable. Functional consequence: retained intron. Not counted in ClinVar's aggregate classification.

NM_014112.5(TRPS1):c.2701-1G>A

Gene: TRPS1 (transcriptional repressor GATA binding 1; minus strand). Cytogenetic location: 8q23.3.
Variant type: single nucleotide variant.
Coding change: c.2701-1G>A on transcript NM_014112.5 (MANE Select); the canonical splice acceptor site of the intron before coding-DNA position 2701, G replaced by A.
Molecular consequence: splice acceptor variant.
Genome position (GRCh38, 1-based): chr8:115,418,453, C>T on the plus strand (G>A on the coding strand, the complement: TRPS1 is on the minus strand). VCF-style: chr8-115418453-C-T. GRCh37 (hg19) VCF-style: chr8-116430681-C-T.
Other names: NC_000008.10:g.116430681C>T; c.2662-1G>A (NM_001330599.2); c.2680-1G>A (NM_001282903.3); c.2674-1G>A (NM_001282902.3).
Identifiers: ClinVar variation 1711679 (VCV001711679.31), dbSNP rs2536588687, ClinGen allele CA372064433.